The following is an entry in ClinVar:

ClinVar aggregate classification (germline): Benign/Likely benign. Review status: criteria provided, multiple submitters, no conflicts (2 of 4 stars). 7 submissions from 7 submitters: Benign (3); Likely benign (4). Last evaluated 2025-10-06.

Conditions:
Tuberous sclerosis 2 (TSC2). Identifiers: Orphanet 805, MedGen C1860707, MONDO:0013199, OMIM 613254.
Hereditary cancer-predisposing syndrome. Also called: Hereditary neoplastic syndrome; Neoplastic Syndromes, Hereditary; Tumor predisposition; Hereditary Cancer Syndrome. Identifiers: Orphanet 140162, MedGen C0027672, MeSH D009386, MONDO:0015356.
Tuberous sclerosis syndrome (TSC). Also called: Tuberous Sclerosis Complex; Tuberous sclerosis. Identifiers: Orphanet 805, MedGen C0041341, MONDO:0001734.

Allele frequency attached by ClinVar (database versions not stated): TOPMed 0.00002.
gnomAD v4.1: 9 of 1,612,994 alleles (0.00056%); highest among the groups gnomAD compares: Non-Finnish European, 0.00076%; no homozygotes.

Submissions (7):

Labcorp Genetics (formerly Invitae), Labcorp
Classification: Benign for Tuberous sclerosis 2. Last evaluated: 2025-10-06. Review status: criteria provided, single submitter. Criteria: Invitae Variant Classification Sherloc (09022015). Collection method: clinical testing. Allele origin: germline.

Quest Diagnostics Nichols Institute San Juan Capistrano
Classification: Likely benign. Last evaluated: 2025-07-16. Review status: criteria provided, single submitter. Criteria: Quest Diagnostics criteria. Collection method: clinical testing. Allele origin: unknown.

Myriad Genetics, Inc.
Classification: Benign for Tuberous sclerosis 2. Last evaluated: 2025-05-20. Review status: criteria provided, single submitter. Criteria: Myriad Autosomal Dominant, Autosomal Recessive and X-Linked Classification Criteria (2023). Collection method: clinical testing. Allele origin: unknown.
Comment: This variant is considered benign. This variant is a silent/synonymous amino acid change and it is not expected to impact splicing.

Color Diagnostics, LLC DBA Color Health
Classification: Likely benign for Tuberous sclerosis syndrome. Last evaluated: 2022-09-27. Review status: criteria provided, single submitter. Criteria: ACMG Guidelines, 2015. Collection method: clinical testing. Allele origin: germline.

Genome-Nilou Lab
Classification: Benign for Tuberous sclerosis 2. Last evaluated: 2021-11-07. Review status: criteria provided, single submitter. Criteria: ACMG Guidelines, 2015. Collection method: clinical testing. Allele origin: germline. Affected: no.

Ambry Genetics
Classification: Likely benign for Hereditary cancer-predisposing syndrome. Last evaluated: 2017-05-17. Review status: criteria provided, single submitter. Criteria: Ambry Variant Classification Scheme 2023. Collection method: clinical testing. Allele origin: germline.

GeneDx
Classification: Likely benign. Last evaluated: 2017-03-08. Review status: criteria provided, single submitter. Criteria: GeneDx Variant Classification (06012015). Collection method: clinical testing. Allele origin: germline. Affected: yes.
Comment: This variant is considered likely benign or benign based on one or more of the following criteria: it is a conservative change, it occurs at a poorly conserved position in the protein, it is predicted to be benign by multiple in silico algorithms, and/or has population frequency not consistent with disease.

NM_000548.5(TSC2):c.2622G>T (p.Pro874=)

Gene: TSC2 (TSC complex subunit 2; plus strand). Cytogenetic location: 16p13.3.
Variant type: single nucleotide variant.
Coding change: c.2622G>T on transcript NM_000548.5 (MANE Select); coding-DNA position 2622, G replaced by T.
Protein change: p.Pro874=; no amino-acid change (proline 874 retained).
Molecular consequence: synonymous variant.
Genome position (GRCh38, 1-based): chr16:2,075,875, G>T. VCF-style: chr16-2075875-G-T. GRCh37 (hg19) VCF-style: chr16-2125876-G-T.
Other names: c.2622G>T, p.Pro874= (NM_001077183.3, NM_001114382.3, NM_001363528.2 and 3 more transcripts); c.2511G>T, p.Pro837= (NM_001318827.2); c.2475G>T, p.Pro825= (NM_001318829.2); c.2022G>T, p.Pro674= (NM_001318831.2); c.2655G>T, p.Pro885= (NM_001318832.2).
Identifiers: ClinVar variation 467953 (VCV000467953.20), dbSNP rs141486629, ClinGen allele CA276741556.